The following is an entry in ClinVar:

NM_002968.3(SALL1):c.1904C>T (p.Pro635Leu)

Gene: SALL1 (spalt like transcription factor 1; minus strand). Cytogenetic location: 16q12.1.
Variant type: single nucleotide variant.
Coding change: c.1904C>T on transcript NM_002968.3 (MANE Select); coding-DNA position 1904, C replaced by T.
Protein change: p.Pro635Leu; replaces proline 635 with leucine.
Molecular consequence: missense variant.
Genome position (GRCh38, 1-based): chr16:51,140,318, G>A on the plus strand (C>T on the coding strand, the complement: SALL1 is on the minus strand). VCF-style: chr16-51140318-G-A. GRCh37 (hg19) VCF-style: chr16-51174229-G-A.
Other names: p.Pro635Leu; c.1613C>T, p.Pro538Leu (NM_001127892.2); short protein forms P635L, P538L.
Identifiers: ClinVar variation 258861 (VCV000258861.49), dbSNP rs146454164, ClinGen allele CA8053208.

ClinVar aggregate classification (germline): Benign. Review status: criteria provided, multiple submitters, no conflicts (2 of 4 stars). 6 submissions from 6 submitters: Benign (5). 1 of the submissions does not count toward it. Last evaluated 2026-09-01.

Conditions:
SALL1-related disorder. Also called: SALL1-related condition.
Townes syndrome (TBS). Also called: Townes-Brocks syndrome. Identifiers: Orphanet 857, MedGen C0265246, MeSH C536974, MONDO:0007142.

Allele frequency attached by ClinVar (database versions not stated): 1000 Genomes Project 30x 0.00141; 1000 Genomes Project 0.00160; TOPMed 0.00190; ESP Exome Variant Server 0.00239; gnomAD 0.00287 and 0.00290; gnomAD exomes 0.00310 and 0.00324; ExAC 0.00336.

Submissions (6):

CeGaT Center for Human Genetics Tuebingen
Classification: Benign. Last evaluated: 2026-09-01. Review status: criteria provided, single submitter. Criteria: CeGaT Center For Human Genetics Tuebingen Variant Classification Criteria Version 2. Collection method: clinical testing. Allele origin: germline. Affected: yes. Observed: 23 variant alleles.
Comment: SALL1: BP4, BS1, BS2

Labcorp Genetics (formerly Invitae), Labcorp
Classification: Benign for Townes syndrome. Last evaluated: 2026-01-26. Review status: criteria provided, single submitter. Criteria: Invitae Variant Classification Sherloc (09022015). Collection method: clinical testing. Allele origin: germline.

Mayo Clinic Laboratories, Mayo Clinic
Classification: Benign. Last evaluated: 2025-02-18. Review status: criteria provided, single submitter. Criteria: ACMG Guidelines, 2015. Collection method: clinical testing. Allele origin: germline. Observed: 1 variant allele.
Comment: BS1, BS2, BP4_moderate

Genetic Services Laboratory, University of Chicago
Classification: Benign. Last evaluated: 2020-07-10. Review status: criteria provided, single submitter. Criteria: ACMG Guidelines, 2015. Collection method: clinical testing. Allele origin: germline. Affected: no.

GeneDx
Classification: Benign. Last evaluated: 2018-08-30. Review status: criteria provided, single submitter. Criteria: GeneDx Variant Classification Process June 2021. Collection method: clinical testing. Allele origin: germline. Affected: yes.

PreventionGenetics, part of Exact Sciences
Classification: Benign for SALL1-related condition. Last evaluated: 2022-10-03. Review status: no assertion criteria provided. Collection method: clinical testing. Allele origin: germline. Not counted in ClinVar's aggregate classification.
Comment: This variant is classified as benign based on ACMG/AMP sequence variant interpretation guidelines (Richards et al. 2015 PMID: 25741868, with internal and published modifications).